The following is an entry in ClinVar:

NM_001122955.4(BSCL2):c.1145C>T (p.Ser382Leu)

Genes: BSCL2 (BSCL2 lipid droplet biogenesis associated, seipin; minus strand), HNRNPUL2-BSCL2 (HNRNPUL2-BSCL2 readthrough (NMD candidate); minus strand). Cytogenetic location: 11q12.3.
Variant type: single nucleotide variant.
Coding change: c.1145C>T on transcript NM_001122955.4 (MANE Select); coding-DNA position 1145, C replaced by T.
Protein change: p.Ser382Leu; replaces serine 382 with leucine.
Molecular consequence: missense variant. On other transcripts: non-coding transcript variant (1), nonsense (1).
Genome position (GRCh38, 1-based): chr11:62,690,795, G>A on the plus strand (C>T on the coding strand, the complement: BSCL2 is on the minus strand). VCF-style: chr11-62690795-G-A. GRCh37 (hg19) VCF-style: chr11-62458267-G-A.
Other names: c.811C>T, p.Gln271Ter (NM_001130702.2); c.1151C>T, p.Ser384Leu (NM_001386027.1); c.1145C>T, p.Ser382Leu (NM_001386028.1); c.953C>T, p.Ser318Leu (NM_032667.6); short protein forms S382L, S318L, Q271*, S384L.
Identifiers: ClinVar variation 411581 (VCV000411581.60), dbSNP rs149907021, ClinGen allele CA6053319.

ClinVar aggregate classification (germline): Conflicting classifications of pathogenicity. Review status: criteria provided, conflicting classifications (1 of 4 stars). 9 submissions from 9 submitters: Uncertain significance (8); Likely benign (1). Last evaluated 2026-02-10.

Conditions:
Congenital generalized lipodystrophy type 2 (CGL2). Also called: BERARDINELLI SYNDROME; BRUNZELL SYNDROME, BSCL2-RELATED; SEIP SYNDROME; Berardinelli-Seip Congenital Lipodystrophy Type 2. Identifiers: Orphanet 528, Orphanet 696289, MedGen C1720863, MONDO:0010020, OMIM 269700.
Hereditary spastic paraplegia 17. Also called: Spastic Paraplegia 17; Autosomal dominant spastic paraplegia type 17; Silver Syndrome; SPASTIC PARAPLEGIA WITH AMYOTROPHY OF HANDS AND FEET; Silver spastic paraplegia syndrome. Identifiers: Orphanet 100998, MedGen C2931276, MONDO:0010043, OMIM 270685.
Neuronopathy, distal hereditary motor, type 5C. Also called: NEURONOPATHY, DISTAL HEREDITARY MOTOR, AUTOSOMAL DOMINANT 13; DHMN VC; NEURONOPATHY, DISTAL HEREDITARY MOTOR, HARDING TYPE VC; NEUROPATHY, DISTAL HEREDITARY MOTOR, HARDING TYPE VC; SPINAL MUSCULAR ATROPHY, DISTAL, HARDING TYPE VC. Identifiers: MedGen C5436838, MONDO:0030860, OMIM 619112.
Severe neurodegenerative syndrome with lipodystrophy. Also called: Encephalopathy, progressive, with or without lipodystrophy; ENCEPHALOPATHY, PROGRESSIVE, WITH LIPODYSTROPHY. Identifiers: Orphanet 363400, MedGen C4014700, MONDO:0014402, OMIM 615924.
Inborn genetic diseases. Identifiers: MedGen C0950123, MeSH D030342.
BSCL2-related disorder. Also called: BSCL2-Related Disorders; BSCL2-related condition.
Charcot-Marie-Tooth disease type 2. Also called: Charcot-Marie-Tooth type 2. Identifiers: Orphanet 64746, MedGen C0270914, MONDO:0018993.
Hereditary spastic paraplegia. Also called: Familial spastic paraparesis. Identifiers: Orphanet 685, MedGen C0037773, MONDO:0019064. Disease mechanism: loss of function.
Intellectual disability. Also called: Intellectual functioning disability; intellectual disabilities; Intellectual developmental disorder. Identifiers: MedGen C3714756, MeSH D008607, MONDO:0001071, HP:0001249.

Allele frequency attached by ClinVar (database versions not stated): TOPMed 0.00006; gnomAD exomes 0.00007 and 0.00017; ExAC 0.00008; 1000 Genomes Project 30x 0.00016; 1000 Genomes Project 0.00020; ESP Exome Variant Server 0.00023; gnomAD 0.00004 and 0.00005.
gnomAD v4.1: 249 of 1,613,746 alleles (0.015%); highest among the groups gnomAD compares: Non-Finnish European, 0.02%; no homozygotes.

Submissions (9):

PreventionGenetics, part of Exact Sciences
Classification: Uncertain significance for BSCL2-related condition. Last evaluated: 2026-02-10. Review status: criteria provided, single submitter. Criteria: ACMG Guidelines, 2015. Collection method: clinical testing. Allele origin: germline.
Comment: The BSCL2 c.811C>T variant is predicted to result in premature protein termination (p.Gln271*). This variant can also be referred to as c.811C>T (p.Gln271*) with an alternate isoform, NM_001130702. To our knowledge, this variant has not been reported in the literature. This variant is reported in 0.015% of alleles in individuals of European (non-Finnish) descent in gnomAD. At this time, the clinical significance of this variant is uncertain due to the absence of conclusive functional and genetic evidence.

Labcorp Genetics (formerly Invitae), Labcorp
Classification: Uncertain significance for Charcot-Marie-Tooth disease type 2. Last evaluated: 2025-12-01. Review status: criteria provided, single submitter. Criteria: Invitae Variant Classification Sherloc (09022015). Collection method: clinical testing. Allele origin: germline.
Comment: This sequence change replaces serine, which is neutral and polar, with leucine, which is neutral and non-polar, at codon 318 of the BSCL2 protein (p.Ser318Leu). This variant is present in population databases (rs149907021, gnomAD 0.01%). This variant has not been reported in the literature in individuals affected with BSCL2-related conditions. ClinVar contains an entry for this variant (Variation ID: 411581). Invitae Evidence Modeling of protein sequence and biophysical properties (such as structural, functional, and spatial information, amino acid conservation, physicochemical variation, residue mobility, and thermodynamic stability) indicates that this missense variant is not expected to disrupt BSCL2 protein function with a negative predictive value of 80%. In summary, the available evidence is currently insufficient to determine the role of this variant in disease. Therefore, it has been classified as a Variant of Uncertain Significance.

CeGaT Center for Human Genetics Tuebingen
Classification: Uncertain significance. Last evaluated: 2025-07-01. Review status: criteria provided, single submitter. Criteria: CeGaT Center For Human Genetics Tuebingen Variant Classification Criteria Version 2. Collection method: clinical testing. Allele origin: germline. Affected: yes. Observed: 1 variant allele.

Women's Health and Genetics/Laboratory Corporation of America, LabCorp
Classification: Uncertain significance. Last evaluated: 2024-05-22. Review status: criteria provided, single submitter. Criteria: LabCorp Variant Classification Summary - May 2015. Collection method: clinical testing. Allele origin: germline.
Comment: Variant summary: BSCL2 c.953C>T (p.Ser318Leu) results in a non-conservative amino acid change in the encoded protein sequence. Four of five in-silico tools predict a benign effect of the variant on protein function. The variant allele was found at a frequency of 7.3e-05 in 245404 control chromosomes. This frequency is not significantly higher than estimated for a pathogenic variant in BSCL2 causing BSCL2-Related Disorders, allowing no conclusion about variant significance. To our knowledge, no occurrence of c.953C>T in individuals affected with BSCL2-Related Disorders and no experimental evidence demonstrating its impact on protein function have been reported. ClinVar contains an entry for this variant (Variation ID: 411581). Based on the evidence outlined above, the variant was classified as uncertain significance.

Fulgent Genetics
Classification: Uncertain significance for Congenital generalized lipodystrophy type 2; Hereditary spastic paraplegia 17; Severe neurodegenerative syndrome with lipodystrophy; Neuronopathy, distal hereditary motor, type 5C. Last evaluated: 2021-11-04. Review status: criteria provided, single submitter. Criteria: ACMG Guidelines, 2015. Collection method: clinical testing. Allele origin: unknown.

GeneDx
Classification: Uncertain significance. Last evaluated: 2021-07-28. Review status: criteria provided, single submitter. Criteria: GeneDx Variant Classification Process June 2021. Collection method: clinical testing. Allele origin: germline. Affected: yes.
Comment: Has not been previously published as pathogenic or benign to our knowledge; In silico analysis, which includes protein predictors and evolutionary conservation, supports that this variant does not alter protein structure/function

Ambry Genetics
Classification: Uncertain significance for Inborn genetic diseases. Last evaluated: 2021-02-02. Review status: criteria provided, single submitter. Criteria: Ambry Variant Classification Scheme 2023. Collection method: clinical testing. Allele origin: germline.
Comment: The p.S318L variant (also known as c.953C>T), located in coding exon 8 of the BSCL2 gene, results from a C to T substitution at nucleotide position 953. The serine at codon 318 is replaced by leucine, an amino acid with dissimilar properties. This amino acid position is not well conserved in available vertebrate species. In addition, this alteration is predicted to be tolerated by in silico analysis. Based on the supporting evidence, this variant is unlikely to be causative of autosomal dominant BSCL2-related neurologic disorders; however, its contribution to the development of autosomal recessive BSCL2-related syndrome is uncertain.

Genome Diagnostics Laboratory, The Hospital for Sick Children
Classification: Uncertain significance for Hereditary spastic paraplegia. Last evaluated: 2020-10-08. Review status: criteria provided, single submitter. Criteria: ACMG Guidelines, 2015. Collection method: clinical testing. Allele origin: germline. Affected: yes.

Cambridge Genomics Laboratory, East Genomic Laboratory Hub, NHS Genomic Medicine Service
Classification: Likely benign for Intellectual disability. Last evaluated: 2019-04-17. Review status: criteria provided, single submitter. Criteria: ACGS Best Practice Guidelines for Variant Classification in Rare Disease 2020. Collection method: clinical testing. Allele origin: germline. Affected: yes. Observed: 1 variant allele.